The following is an entry in ClinVar:

NM_001267550.2(TTN):c.52330C>T (p.Arg17444Cys)

Genes: TTN (titin; minus strand), TTN-AS1 (TTN antisense RNA 1; plus strand). Cytogenetic location: 2q31.2.
Variant type: single nucleotide variant.
Coding change: c.52330C>T on transcript NM_001267550.2 (MANE Select); coding-DNA position 52330, C replaced by T.
Protein change: p.Arg17444Cys; replaces arginine 17444 with cysteine.
Molecular consequence: missense variant.
Genome position (GRCh38, 1-based): chr2:178,608,681, G>A on the plus strand (C>T on the coding strand, the complement: TTN is on the minus strand). VCF-style: chr2-178608681-G-A. GRCh37 (hg19) VCF-style: chr2-179473408-G-A.
Other names: c.44626C>T, p.Arg14876Cys (NM_133378.4); c.47407C>T, p.Arg15803Cys (NM_001256850.1); c.25135C>T, p.Arg8379Cys (NM_003319.4); c.25510C>T, p.Arg8504Cys (NM_133432.3); c.25711C>T, p.Arg8571Cys (NM_133437.4); short protein forms R14876C, R17444C, R8379C, R8504C, R8571C, R15803C.
Identifiers: ClinVar variation 229456 (VCV000229456.5), dbSNP rs778094750, ClinGen allele CA1994018.

ClinVar aggregate classification (germline): Uncertain significance (1 of 4 stars; one submission).

Allele frequency attached by ClinVar (database versions not stated): TOPMed below 0.00001; ExAC 0.00002; gnomAD exomes 0.00001.
gnomAD v4.1: 12 of 1,612,136 alleles (0.00074%); highest among the groups gnomAD compares: South Asian, 0.0011%; no homozygotes.

Submission:

Laboratory for Molecular Medicine, Mass General Brigham Personalized Medicine
Classification: Uncertain significance. Last evaluated: 2015-03-04. Review status: criteria provided, single submitter. Criteria: LMM Criteria. Collection method: clinical testing. Allele origin: germline. Observed: 1 variant allele.
Comment: The p.Arg14876Cys variant in TTN has not been previously reported in individuals with cardiomyopathy, but has been identified in 2/61914 African chromosomes by the Exome Aggregation Consortium (ExAC). Computa tional prediction tools and conservation analysis suggest that the p.Arg14876Cys variant may impact the protein, though this information is not predictive enoug h to determine pathogenicity. In summary, the clinical significance of the p.Arg 14876Cys variant is uncertain.